The following is an entry in ClinVar:

ClinVar aggregate classification (germline): Likely benign. Review status: criteria provided, multiple submitters, no conflicts (2 of 4 stars). 4 submissions from 4 submitters: Likely benign (4). Last evaluated 2026-01-28.

Allele frequency attached by ClinVar (database versions not stated): ESP Exome Variant Server 0.00015; ExAC 0.00022; gnomAD exomes 0.00026 and 0.00035; gnomAD 0.00032 and 0.00036.
gnomAD v4.1: 435 of 1,613,534 alleles (0.027%); highest among the groups gnomAD compares: Middle Eastern, 0.13%; no homozygotes.

Submissions (4):

Labcorp Genetics (formerly Invitae), Labcorp
Classification: Likely benign. Last evaluated: 2026-01-28. Review status: criteria provided, single submitter. Criteria: Invitae Variant Classification Sherloc (09022015). Collection method: clinical testing. Allele origin: germline.

Blueprint Genetics
Classification: Likely benign. Last evaluated: 2024-10-11. Review status: criteria provided, single submitter. Criteria: ACMG Guidelines, 2015. Collection method: clinical testing. Allele origin: germline.

CeGaT Center for Human Genetics Tuebingen
Classification: Likely benign. Last evaluated: 2023-03-01. Review status: criteria provided, single submitter. Criteria: CeGaT Center For Human Genetics Tuebingen Variant Classification Criteria Version 2. Collection method: clinical testing. Allele origin: germline. Affected: yes. Observed: 1 variant allele.
Comment: LAMC3: BP4, BP7

GeneDx
Classification: Likely benign. Last evaluated: 2020-08-17. Review status: criteria provided, single submitter. Criteria: GeneDx Variant Classification Process June 2021. Collection method: clinical testing. Allele origin: germline. Affected: yes.

NM_006059.4(LAMC3):c.3123C>T (p.Ser1041=)

Gene: LAMC3 (laminin subunit gamma 3; plus strand). Cytogenetic location: 9q34.12.
Variant type: single nucleotide variant.
Coding change: c.3123C>T on transcript NM_006059.4 (MANE Select); coding-DNA position 3123, C replaced by T.
Protein change: p.Ser1041=; no amino-acid change (serine 1041 retained).
Molecular consequence: synonymous variant.
Genome position (GRCh38, 1-based): chr9:131,071,537, C>T. VCF-style: chr9-131071537-C-T. GRCh37 (hg19) VCF-style: chr9-133946924-C-T.
Identifiers: ClinVar variation 508883 (VCV000508883.37), dbSNP rs370140731, ClinGen allele CA5287686.